The following is an entry in ClinVar:

NM_014363.6(SACS):c.4723C>T (p.Arg1575Trp)

Gene: SACS (sacsin molecular chaperone; minus strand). Cytogenetic location: 13q12.12.
Variant type: single nucleotide variant.
Coding change: c.4723C>T on transcript NM_014363.6 (MANE Select); coding-DNA position 4723, C replaced by T.
Protein change: p.Arg1575Trp; replaces arginine 1575 with tryptophan.
Molecular consequence: missense variant.
Genome position (GRCh38, 1-based): chr13:23,339,153, G>A on the plus strand (C>T on the coding strand, the complement: SACS is on the minus strand). VCF-style: chr13-23339153-G-A. GRCh37 (hg19) VCF-style: chr13-23913292-G-A.
Other names: p.Arg1575Trp; c.4282C>T, p.Arg1428Trp (NM_001278055.2); c.4723C>T (NM_014363.5); short protein forms R1428W, R1575W.
Identifiers: ClinVar variation 1709385 (VCV001709385.5), dbSNP rs1426756976, ClinGen allele CA387527941.

ClinVar aggregate classification (germline): Conflicting classifications of pathogenicity. Review status: criteria provided, conflicting classifications (1 of 4 stars). 4 submissions from 4 submitters: Likely pathogenic (2); Uncertain significance (2). Last evaluated 2025-05-29.

Conditions:
Charlevoix-Saguenay spastic ataxia (SACS). Also called: SPASTIC ATAXIA 6, AUTOSOMAL RECESSIVE; AUTOSOMAL RECESSIVE SPASTIC ATAXIA OF CHARLEVOIX-SAGUENAY; Spastic ataxia of Charlevoix-Saguenay. Identifiers: Orphanet 98, MedGen C1849140, MONDO:0010041, OMIM 270550.

Allele frequency attached by ClinVar (database versions not stated): gnomAD exomes 0.00001; TOPMed 0.00001; gnomAD 0.00002.
gnomAD v4.1: 17 of 1,611,588 alleles (0.0011%); highest among the groups gnomAD compares: Admixed American, 0.0017%; no homozygotes.

Submissions (4):

Natera, Inc.
Classification: Likely pathogenic for Charlevoix-Saguenay type spastic ataxia. Last evaluated: 2025-05-29. Review status: criteria provided, single submitter. Criteria: Natera Variant Classification Schema (03/2026). Collection method: clinical testing. Allele origin: germline.
Comment: The c.4723C>T variant in SACS is a missense variant predicted to cause substitution of arginine to tryptophan at amino acid 1575. This variant is rare in the general population with a frequency below the threshold expected for the associated phenotype(s). This variant has been observed in one or more individuals affected with the associated recessive disease, as either homozygous or compound heterozygous with a second variant (PMID: 39314081, 38261029, 29968200). Functional studies show that this variant may disrupt protein function (PMID: 39314081). Computational prediction algorithms indicate this variant is likely to affect gene or protein function. Given the available evidence, this variant is classified as Likely Pathogenic.

Mayo Clinic Laboratories, Mayo Clinic
Classification: Uncertain significance. Last evaluated: 2022-09-15. Review status: criteria provided, single submitter. Criteria: ACMG Guidelines, 2015. Collection method: clinical testing. Allele origin: germline. Observed: 1 variant allele.
Comment: PP3, PM2, PM3_supporting

MGZ Medical Genetics Center
Classification: Likely pathogenic for Charlevoix-Saguenay spastic ataxia. Last evaluated: 2022-04-13. Review status: criteria provided, single submitter. Criteria: ACMG Guidelines, 2015. Collection method: clinical testing. Allele origin: germline. Affected: yes. Observed: 1 variant allele.
Comment: ACMG criteria applied: PM3, PS4_SUP, PM2_SUP, PM5_SUP, PP3

PROSPAX: an integrated multimodal progression  chart in spastic ataxias, Center for Neurology; Hertie-Institute for Clinical Brain Research
Classification: Uncertain significance for Charlevoix-Saguenay spastic ataxia. Last evaluated: 2022-01-01. Review status: criteria provided, single submitter. Criteria: ACMG Guidelines, 2015. Collection method: research. Allele origin: germline. Affected: yes. Observed: 1 variant allele, 1 compound heterozygote.

Literature cited by the submitters: PubMed 39314081 (cited by Natera, Inc.); PubMed 38261029 (cited by Natera, Inc.); PubMed 29968200 (cited by Natera, Inc. and Mayo Clinic Laboratories, Mayo Clinic).